The following is an entry in ClinVar:

ClinVar aggregate classification (germline): Uncertain significance (1 of 4 stars; one submission).

Conditions:
Ritscher-Schinzel syndrome. Also called: CRANIOCEREBELLOCARDIAC DYSPLASIA. Identifiers: Orphanet 7, MedGen C0796137, MONDO:0019078.
Hereditary spastic paraplegia 8 (SPG8). Also called: SPASTIC PARAPLEGIA 8, AUTOSOMAL DOMINANT. Identifiers: Orphanet 100989, MedGen C1863704, MONDO:0011339, OMIM 603563.
Ritscher-Schinzel syndrome 1 (RTSC1). Identifiers: Orphanet 7, MedGen C4551776, MONDO:0009073, OMIM 220210.

Submission:

Labcorp Genetics (formerly Invitae), Labcorp
Classification: Uncertain significance for Ritscher-Schinzel syndrome; Hereditary spastic paraplegia 8. Last evaluated: 2024-04-04. Review status: criteria provided, single submitter. Criteria: Invitae Variant Classification Sherloc (09022015). Collection method: clinical testing. Allele origin: germline.
Comment: This sequence change replaces glutamine, which is neutral and polar, with arginine, which is basic and polar, at codon 628 of the WASHC5 protein (p.Gln628Arg). This variant is not present in population databases (gnomAD no frequency). This variant has not been reported in the literature in individuals affected with WASHC5-related conditions. ClinVar contains an entry for this variant (Variation ID: 851171). Advanced modeling of protein sequence and biophysical properties (such as structural, functional, and spatial information, amino acid conservation, physicochemical variation, residue mobility, and thermodynamic stability) performed at Invitae indicates that this missense variant is expected to disrupt WASHC5 protein function with a positive predictive value of 80%. In summary, the available evidence is currently insufficient to determine the role of this variant in disease. Therefore, it has been classified as a Variant of Uncertain Significance.

NM_014846.4(WASHC5):c.1883A>G (p.Gln628Arg)

Gene: WASHC5 (WASH complex subunit 5; minus strand). Cytogenetic location: 8q24.13.
Variant type: single nucleotide variant.
Coding change: c.1883A>G on transcript NM_014846.4 (MANE Select); coding-DNA position 1883, A replaced by G.
Protein change: p.Gln628Arg; replaces glutamine 628 with arginine.
Molecular consequence: missense variant.
Genome position (GRCh38, 1-based): chr8:125,056,810, T>C on the plus strand (A>G on the coding strand, the complement: WASHC5 is on the minus strand). VCF-style: chr8-125056810-T-C. GRCh37 (hg19) VCF-style: chr8-126069052-T-C.
Other names: c.1439A>G, p.Gln480Arg (NM_001330609.2); short protein forms Q628R, Q480R.
Identifiers: ClinVar variation 851171 (VCV000851171.10), dbSNP rs1816420898, ClinGen allele CA372191204.